The following is an entry in ClinVar:

NM_001291303.3(FAT4):c.12032C>T (p.Ala4011Val)

Gene: FAT4 (FAT atypical cadherin 4; plus strand). Cytogenetic location: 4q28.1.
Variant type: single nucleotide variant.
Coding change: c.12032C>T on transcript NM_001291303.3 (MANE Select); coding-DNA position 12032, C replaced by T.
Protein change: p.Ala4011Val; replaces alanine 4011 with valine.
Molecular consequence: missense variant.
Genome position (GRCh38, 1-based): chr4:125,468,638, C>T. VCF-style: chr4-125468638-C-T. GRCh37 (hg19) VCF-style: chr4-126389793-C-T.
Other names: c.12032C>T, p.Ala4011Val (NM_001291285.3); c.12026C>T, p.Ala4009Val (NM_024582.6); c.12026C>T (NM_024582.4); short protein forms A4011V, A4009V.
Identifiers: ClinVar variation 1371188 (VCV001371188.4), dbSNP rs149250709, ClinGen allele CA3073993.

ClinVar aggregate classification (germline): Uncertain significance. Review status: criteria provided, multiple submitters, no conflicts (2 of 4 stars). 2 submissions from 2 submitters: Uncertain significance (2). Last evaluated 2024-08-26.

Allele frequency attached by ClinVar (database versions not stated): gnomAD exomes 0.00002 and 0.00006; ExAC 0.00006; ESP Exome Variant Server 0.00015; gnomAD 0.00019; TOPMed 0.00023; 1000 Genomes Project 30x 0.00047; 1000 Genomes Project 0.00060.
gnomAD v4.1: 63 of 1,614,036 alleles (0.0039%); highest among the groups gnomAD compares: African/African-American, 0.045%; no homozygotes.

Submissions (2):

GeneDx
Classification: Uncertain significance. Last evaluated: 2024-08-26. Review status: criteria provided, single submitter. Criteria: GeneDx Variant Classification Process June 2021. Collection method: clinical testing. Allele origin: germline. Affected: yes.
Comment: In silico analysis supports that this missense variant has a deleterious effect on protein structure/function; Has not been previously published as pathogenic or benign to our knowledge

Labcorp Genetics (formerly Invitae), Labcorp
Classification: Uncertain significance. Last evaluated: 2022-10-21. Review status: criteria provided, single submitter. Criteria: Invitae Variant Classification Sherloc (09022015). Collection method: clinical testing. Allele origin: germline.
Comment: This sequence change replaces alanine, which is neutral and non-polar, with valine, which is neutral and non-polar, at codon 4009 of the FAT4 protein (p.Ala4009Val). This variant is present in population databases (rs149250709, gnomAD 0.02%). This variant has not been reported in the literature in individuals affected with FAT4-related conditions. ClinVar contains an entry for this variant (Variation ID: 1371188). Advanced modeling of protein sequence and biophysical properties (such as structural, functional, and spatial information, amino acid conservation, physicochemical variation, residue mobility, and thermodynamic stability) performed at Invitae indicates that this missense variant is expected to disrupt FAT4 protein function. In summary, the available evidence is currently insufficient to determine the role of this variant in disease. Therefore, it has been classified as a Variant of Uncertain Significance.